The following is an entry in ClinVar:

ClinVar aggregate classification (germline): Uncertain significance (1 of 4 stars; one submission).

Conditions:
Inborn genetic diseases. Identifiers: MedGen C0950123, MeSH D030342.

Allele frequency attached by ClinVar (database versions not stated): ExAC 0.00006; gnomAD 0.00013; ESP Exome Variant Server 0.00015; 1000 Genomes Project 0.00020; 1000 Genomes Project 30x 0.00031.
gnomAD v4.1: 50 of 1,613,352 alleles (0.0031%); highest among the groups gnomAD compares: African/African-American, 0.052%; no homozygotes.

Submission:

Ambry Genetics
Classification: Uncertain significance for Inborn genetic diseases. Last evaluated: 2022-02-28. Review status: criteria provided, single submitter. Criteria: Ambry Variant Classification Scheme 2023. Collection method: clinical testing. Allele origin: germline.
Comment: The c.312-5C>A intronic alteration consists of a C to A substitution 5 nucleotides before exon 4 of the TMEM222 gene. Based on insufficient or conflicting evidence, the clinical significance of this alteration remains unclear.

NM_032125.3(TMEM222):c.312-5C>A

Gene: TMEM222 (transmembrane protein 222; plus strand). Cytogenetic location: 1p36.11.
Variant type: single nucleotide variant.
Coding change: c.312-5C>A on transcript NM_032125.3 (MANE Select); 5 bases into the intron before coding-DNA position 312, C replaced by A.
Molecular consequence: intron variant.
Genome position (GRCh38, 1-based): chr1:27,333,953, C>A. VCF-style: chr1-27333953-C-A. GRCh37 (hg19) VCF-style: chr1-27660444-C-A.
Identifiers: ClinVar variation 2221422 (VCV002221422.2), dbSNP rs199641524, ClinGen allele CA712152.